The following is an entry in ClinVar:

NM_001371623.1(TCOF1):c.1634C>G (p.Ser545Ter)

Gene: TCOF1 (treacle ribosome biogenesis factor 1; plus strand). Cytogenetic location: 5q32.
Variant type: single nucleotide variant.
Coding change: c.1634C>G on transcript NM_001371623.1 (MANE Select); coding-DNA position 1634, C replaced by G.
Protein change: p.Ser545Ter; replaces serine 545 with a stop codon.
Molecular consequence: nonsense.
Genome position (GRCh38, 1-based): chr5:150,375,484, C>G. VCF-style: chr5-150375484-C-G. GRCh37 (hg19) VCF-style: chr5-149755047-C-G.
Other names: c.1403C>G, p.Ser468Ter (NM_000356.4, NM_001135245.2); c.1634C>G, p.Ser545Ter (NM_001008657.3, NM_001135243.2, NM_001135244.2 and 1 more transcripts); short protein forms S468*, S545*.
Identifiers: ClinVar variation 2431913 (VCV002431913.1), dbSNP rs2533457151, ClinGen allele CA361747720.

ClinVar aggregate classification (germline): Pathogenic (1 of 4 stars; one submission).

Conditions:
Treacher Collins syndrome 1 (TCS1). Also called: TCOF1-Related Treacher Collins Syndrome. Identifiers: Orphanet 861, MedGen CN315775, MONDO:0007944, OMIM 154500.

Submission:

Laboratorio de Genetica e Diagnostico Molecular, Hospital Israelita Albert Einstein
Classification: Pathogenic for Treacher Collins syndrome 1. Last evaluated: 2022-07-24. Review status: criteria provided, single submitter. Criteria: ACMG Guidelines, 2015. Collection method: clinical testing. Allele origin: germline. Affected: yes. Observed: 1 variant allele.
Comment: ACMG classification criteria: PVS1 very strong, PM2 moderated, PP4